The following is an entry in ClinVar:

NM_002439.5(MSH3):c.1123A>T (p.Lys375Ter)

Gene: MSH3 (mutS homolog 3; plus strand). Cytogenetic location: 5q14.1.
Variant type: single nucleotide variant.
Coding change: c.1123A>T on transcript NM_002439.5 (MANE Select); coding-DNA position 1123, A replaced by T.
Protein change: p.Lys375Ter; replaces lysine 375 with a stop codon.
Molecular consequence: nonsense.
Genome position (GRCh38, 1-based): chr5:80,675,078, A>T. VCF-style: chr5-80675078-A-T. GRCh37 (hg19) VCF-style: chr5-79970897-A-T.
Other names: short protein forms K375*.
Identifiers: ClinVar variation 938019 (VCV000938019.7), dbSNP rs1749809581, ClinGen allele CA360268177.

ClinVar aggregate classification (germline): Pathogenic (1 of 4 stars; one submission).

Allele frequency attached by ClinVar (database versions not stated): TOPMed below 0.00001.

Submission:

Labcorp Genetics (formerly Invitae), Labcorp
Classification: Pathogenic. Last evaluated: 2024-10-10. Review status: criteria provided, single submitter. Criteria: Invitae Variant Classification Sherloc (09022015). Collection method: clinical testing. Allele origin: germline.
Comment: This sequence change creates a premature translational stop signal (p.Lys375*) in the MSH3 gene. It is expected to result in an absent or disrupted protein product. Loss-of-function variants in MSH3 are known to be pathogenic (PMID: 27476653, 37402566). This variant is not present in population databases (gnomAD no frequency). This variant has not been reported in the literature in individuals affected with MSH3-related conditions. ClinVar contains an entry for this variant (Variation ID: 938019). Algorithms developed to predict the effect of sequence changes on RNA splicing suggest that this variant may disrupt the consensus splice site. For these reasons, this variant has been classified as Pathogenic.

Literature cited by the submitters: PubMed 27476653; PubMed 37402566.